The following is an entry in ClinVar:

NM_005676.5(RBM10):c.918C>G (p.Asn306Lys)

Gene: RBM10 (RNA binding motif protein 10; plus strand). Cytogenetic location: Xp11.3.
Variant type: single nucleotide variant.
Coding change: c.918C>G on transcript NM_005676.5 (MANE Select); coding-DNA position 918, C replaced by G.
Protein change: p.Asn306Lys; replaces asparagine 306 with lysine.
Molecular consequence: missense variant.
Genome position (GRCh38, 1-based): chrX:47,179,896, C>G. VCF-style: chrX-47179896-C-G. GRCh37 (hg19) VCF-style: chrX-47039295-C-G.
Other names: c.687C>G, p.Asn229Lys (NM_001204466.2, NM_152856.3); c.918C>G, p.Asn306Lys (NM_001204467.2); c.1113C>G, p.Asn371Lys (NM_001204468.2); short protein forms N371K, N229K, N306K.
Identifiers: ClinVar variation 2229177 (VCV002229177.4), dbSNP rs1447246696, ClinGen allele CA412797673.

ClinVar aggregate classification (germline): Conflicting classifications of pathogenicity. Review status: criteria provided, conflicting classifications (1 of 4 stars). 2 submissions from 2 submitters: Uncertain significance (1); Likely benign (1). Last evaluated 2026-01-01.

Conditions:
Inborn genetic diseases. Identifiers: MedGen C0950123, MeSH D030342.

Allele frequency attached by ClinVar (database versions not stated): gnomAD 0.00001; TOPMed 0.00002.
gnomAD v4.1: 1 of 1,206,445 alleles (0.000083%); highest among the groups gnomAD compares: Non-Finnish European, 0.00011%; no homozygotes.

Submissions (2):

Labcorp Genetics (formerly Invitae), Labcorp
Classification: Uncertain significance. Last evaluated: 2026-01-01. Review status: criteria provided, single submitter. Criteria: Invitae Variant Classification Sherloc (09022015). Collection method: clinical testing. Allele origin: germline.
Comment: This sequence change replaces asparagine, which is neutral and polar, with lysine, which is basic and polar, at codon 306 of the RBM10 protein (p.Asn306Lys). This variant is not present in population databases (gnomAD no frequency). This variant has not been reported in the literature in individuals affected with RBM10-related conditions. ClinVar contains an entry for this variant (Variation ID: 2229177). Invitae Evidence Modeling of protein sequence and biophysical properties (such as structural, functional, and spatial information, amino acid conservation, physicochemical variation, residue mobility, and thermodynamic stability) has been performed for this missense variant. However, the output from this modeling did not meet the statistical confidence thresholds required to predict the impact of this variant on RBM10 protein function. In summary, the available evidence is currently insufficient to determine the role of this variant in disease. Therefore, it has been classified as a Variant of Uncertain Significance.

Ambry Genetics
Classification: Likely benign for Inborn genetic diseases. Last evaluated: 2024-05-22. Review status: criteria provided, single submitter. Criteria: Ambry Variant Classification Scheme 2023. Collection method: clinical testing. Allele origin: germline.